The following is an entry in ClinVar:

ClinVar aggregate classification (germline): Uncertain significance. Review status: criteria provided, multiple submitters, no conflicts (2 of 4 stars). 2 submissions from 2 submitters: Uncertain significance (2). Last evaluated 2023-10-10.

Conditions:
Familial hemophagocytic lymphohistiocytosis 2 (FHL2). Also called: PRF1-Related Familial Hemophagocytic Lymphohistiocytosis (PRF1-fHLH). Identifiers: Orphanet 540, MedGen C1863727, MONDO:0011337, OMIM 603553.

Allele frequency attached by ClinVar (database versions not stated): gnomAD exomes 0.00002; ExAC 0.00002.
gnomAD v4.1: 34 of 1,612,518 alleles (0.0021%); highest among the groups gnomAD compares: Admixed American, 0.005%; no homozygotes.

Submissions (2):

Blueprint Genetics
Classification: Uncertain significance. Last evaluated: 2023-10-10. Review status: criteria provided, single submitter. Criteria: ACMG Guidelines, 2015. Collection method: clinical testing. Allele origin: germline.

Labcorp Genetics (formerly Invitae), Labcorp
Classification: Uncertain significance for Familial hemophagocytic lymphohistiocytosis 2. Last evaluated: 2022-07-17. Review status: criteria provided, single submitter. Criteria: Invitae Variant Classification Sherloc (09022015). Collection method: clinical testing. Allele origin: germline.
Comment: This sequence change replaces glutamic acid, which is acidic and polar, with alanine, which is neutral and non-polar, at codon 30 of the PRF1 protein (p.Glu30Ala). This variant is present in population databases (rs779192397, gnomAD 0.006%). This variant has not been reported in the literature in individuals affected with PRF1-related conditions. ClinVar contains an entry for this variant (Variation ID: 636511). Algorithms developed to predict the effect of missense changes on protein structure and function are either unavailable or do not agree on the potential impact of this missense change (SIFT: "Deleterious"; PolyPhen-2: "Possibly Damaging"; Align-GVGD: "Class C0"). In summary, the available evidence is currently insufficient to determine the role of this variant in disease. Therefore, it has been classified as a Variant of Uncertain Significance.

NM_001083116.3(PRF1):c.89A>C (p.Glu30Ala)

Gene: PRF1 (perforin 1; minus strand). Cytogenetic location: 10q22.1.
Variant type: single nucleotide variant.
Coding change: c.89A>C on transcript NM_001083116.3 (MANE Select); coding-DNA position 89, A replaced by C.
Protein change: p.Glu30Ala; replaces glutamic acid 30 with alanine.
Molecular consequence: missense variant.
Genome position (GRCh38, 1-based): chr10:70,600,814, T>G on the plus strand (A>C on the coding strand, the complement: PRF1 is on the minus strand). VCF-style: chr10-70600814-T-G. GRCh37 (hg19) VCF-style: chr10-72360570-T-G.
Other names: c.89A>C, p.Glu30Ala (NM_005041.6); short protein forms E30A.
Identifiers: ClinVar variation 636511 (VCV000636511.4), dbSNP rs779192397, ClinGen allele CA5539129.
Genomic context (GRCh38, chr10:70,600,814, plus strand): 5'-ACGTCCACACCCTCCCCGGCCAGCCATGCACCAGGCACGAACTTGTGGCTGCGCTTGCAC[T>G]CTGAGCGTGCGGCTGTGTGGCACGGGGCAGGGACGGGCAGGGGCAGCAGCAGGAGAAGGA-3'
Protein context (NP_001076585.1, residues 20-40): PAPCHTAARS[Glu30Ala]CKRSHKFVPG